The following is an entry in ClinVar:

NM_000377.3(WAS):c.467G>C (p.Arg156Thr)

Gene: WAS (WASP actin nucleation promoting factor; plus strand). Cytogenetic location: Xp11.23.
Variant type: single nucleotide variant.
Coding change: c.467G>C on transcript NM_000377.3 (MANE Select); coding-DNA position 467, G replaced by C.
Protein change: p.Arg156Thr; replaces arginine 156 with threonine.
Molecular consequence: missense variant.
Genome position (GRCh38, 1-based): chrX:48,685,949, G>C. VCF-style: chrX-48685949-G-C. GRCh37 (hg19) VCF-style: chrX-48544338-G-C.
Other names: short protein forms R156T.
Identifiers: ClinVar variation 1518088 (VCV001518088.8), dbSNP rs2062418154, ClinGen allele CA412868551.

ClinVar aggregate classification (germline): Uncertain significance (1 of 4 stars; one submission).

Conditions:
Wiskott-Aldrich syndrome (WAS). Also called: Wiskott-aldrich syndrome, somatic; ALDRICH SYNDROME; IMMUNODEFICIENCY 2; WISKOTT-ALDRICH SYNDROME 1. Identifiers: Orphanet 906, MedGen C0043194, MONDO:0010518, OMIM 301000.
X-linked severe congenital neutropenia (SCNX). Identifiers: Orphanet 86788, MedGen C1845987, MONDO:0010294, OMIM 300299.
Thrombocytopenia 1. Also called: X-Linked Thrombocytopenia (XLT); THROMBOCYTOPENIA, X-LINKED, 1; X-linked thrombocytopenia with normal platelets. Identifiers: Orphanet 268322, Orphanet 852, MedGen C1839163, MONDO:0010743, OMIM 313900.

Allele frequency attached by ClinVar (database versions not stated): gnomAD exomes 0.00001.
gnomAD v4.1: 6 of 1,211,780 alleles (0.0005%); highest among the groups gnomAD compares: Non-Finnish European, 0.00067%; no homozygotes.

Submission:

Labcorp Genetics (formerly Invitae), Labcorp
Classification: Uncertain significance for Wiskott-Aldrich syndrome; X-linked severe congenital neutropenia; Thrombocytopenia 1. Last evaluated: 2023-04-20. Review status: criteria provided, single submitter. Criteria: Invitae Variant Classification Sherloc (09022015). Collection method: clinical testing. Allele origin: germline.
Comment: This variant is not present in population databases (gnomAD no frequency). This variant has not been reported in the literature in individuals affected with WAS-related conditions. ClinVar contains an entry for this variant (Variation ID: 1518088). Advanced modeling of protein sequence and biophysical properties (such as structural, functional, and spatial information, amino acid conservation, physicochemical variation, residue mobility, and thermodynamic stability) has been performed at Invitae for this missense variant, however the output from this modeling did not meet the statistical confidence thresholds required to predict the impact of this variant on WAS protein function. Algorithms developed to predict the effect of sequence changes on RNA splicing suggest that this variant may disrupt the consensus splice site. In summary, the available evidence is currently insufficient to determine the role of this variant in disease. Therefore, it has been classified as a Variant of Uncertain Significance. This sequence change replaces arginine, which is basic and polar, with threonine, which is neutral and polar, at codon 156 of the WAS protein (p.Arg156Thr).